The following is an entry in ClinVar:

NM_000094.4(COL7A1):c.5821-9T>G

Gene: COL7A1 (collagen type VII alpha 1 chain; minus strand). Cytogenetic location: 3p21.31.
Variant type: single nucleotide variant.
Coding change: c.5821-9T>G on transcript NM_000094.4 (MANE Select); 9 bases into the intron before coding-DNA position 5821, T replaced by G.
Molecular consequence: intron variant.
Genome position (GRCh38, 1-based): chr3:48,575,911, A>C on the plus strand (T>G on the coding strand, the complement: COL7A1 is on the minus strand). VCF-style: chr3-48575911-A-C. GRCh37 (hg19) VCF-style: chr3-48613344-A-C.
Identifiers: ClinVar variation 4802934 (VCV004802934.1).
Genomic context (GRCh38, chr3:48,575,911, plus strand): 5'-CCCCTAAACAACCCACCTTGATGCCAGCAGTTTCCAGCAACCGATCCACATTCTGGGGAC[A>C]AAGTCTGGGTGAAGGGCTGCCCATGACAGAGAAGCTCCTGCCTTCTGCCCCGCACGGCCT-3'

ClinVar aggregate classification (germline): Uncertain significance (1 of 4 stars; one submission).

gnomAD v4.1: 70 of 1,614,038 alleles (0.0043%); highest among the groups gnomAD compares: Non-Finnish European, 0.0057%; no homozygotes.

Submission:

Labcorp Genetics (formerly Invitae), Labcorp
Classification: Uncertain significance. Last evaluated: 2026-01-25. Review status: criteria provided, single submitter. Criteria: Invitae Variant Classification Sherloc (09022015). Collection method: clinical testing. Allele origin: germline.
Comment: This sequence change falls in intron 70 of the COL7A1 gene. It does not directly change the encoded amino acid sequence of the COL7A1 protein. This variant is present in population databases (rs755454039, gnomAD 0.005%). This variant has not been reported in the literature in individuals affected with COL7A1-related conditions. Algorithms developed to predict the effect of sequence changes on RNA splicing suggest that this variant may disrupt the consensus splice site. In summary, the available evidence is currently insufficient to determine the role of this variant in disease. Therefore, it has been classified as a Variant of Uncertain Significance.